The following is an entry in ClinVar:

NM_198586.3(NHLRC1):c.1091C>T (p.Ser364Leu)

Gene: NHLRC1 (NHL repeat containing E3 ubiquitin protein ligase 1; minus strand). Cytogenetic location: 6p22.3.
Variant type: single nucleotide variant.
Coding change: c.1091C>T on transcript NM_198586.3 (MANE Select); coding-DNA position 1091, C replaced by T.
Protein change: p.Ser364Leu; replaces serine 364 with leucine.
Molecular consequence: missense variant.
Genome position (GRCh38, 1-based): chr6:18,121,516, G>A on the plus strand (C>T on the coding strand, the complement: NHLRC1 is on the minus strand). VCF-style: chr6-18121516-G-A. GRCh37 (hg19) VCF-style: chr6-18121747-G-A.
Other names: p.S364L:TCG>TTG; short protein forms S364L.
Identifiers: ClinVar variation 206182 (VCV000206182.21), dbSNP rs78324544, ClinGen allele CA316020.
Genomic context (GRCh38, chr6:18,121,516, plus strand): 5'-GATGCTGTGTCCAGCACAAGAAGAGAATTCTCCTTGGTGAAGGTAAGAGCCACAGGATGC[G>A]AAAGACCATGAGTGACCATGGGCTTCGGTACTGGAAACTCCTCAGGTTTTCCTAAGCAAA-3'
Protein context (NP_940988.2, residues 354-374): VPKPMVTHGL[Ser364Leu]HPVALTFTKE

ClinVar aggregate classification (germline): Conflicting classifications of pathogenicity. Review status: criteria provided, conflicting classifications (1 of 4 stars). 4 submissions from 4 submitters: Uncertain significance (3); Likely benign (1). Last evaluated 2025-07-30.

Conditions:
Inborn genetic diseases. Identifiers: MedGen C0950123, MeSH D030342.
Lafora disease. Also called: Progressive Myoclonus Epilepsy, Lafora Type; Epilepsy progressive myoclonic 2. Identifiers: Orphanet 501, MedGen C0751783, MONDO:0009697.

Allele frequency attached by ClinVar (database versions not stated): gnomAD 0.00011 and 0.00009; TOPMed 0.00016; ExAC 0.00019; gnomAD exomes 0.00023 and 0.00009; 1000 Genomes Project 0.00040; 1000 Genomes Project 30x 0.00047.
gnomAD v4.1: 143 of 1,614,150 alleles (0.0089%); highest among the groups gnomAD compares: East Asian, 0.28%; 2 homozygotes.

Submissions (4):

Labcorp Genetics (formerly Invitae), Labcorp
Classification: Likely benign for Lafora disease. Last evaluated: 2025-07-30. Review status: criteria provided, single submitter. Criteria: Invitae Variant Classification Sherloc (09022015). Collection method: clinical testing. Allele origin: germline.

GeneDx
Classification: Uncertain significance. Last evaluated: 2024-05-28. Review status: criteria provided, single submitter. Criteria: GeneDx Variant Classification Process June 2021. Collection method: clinical testing. Allele origin: germline. Affected: yes.
Comment: In silico analysis supports that this missense variant has a deleterious effect on protein structure/function; Has not been previously published as pathogenic or benign to our knowledge

Ambry Genetics
Classification: Uncertain significance for Inborn genetic diseases. Last evaluated: 2018-09-21. Review status: criteria provided, single submitter. Criteria: Ambry Variant Classification Scheme 2023. Collection method: clinical testing. Allele origin: germline.
Comment: The p.S364L variant (also known as c.1091C>T), located in coding exon 1 of the NHLRC1 gene, results from a C to T substitution at nucleotide position 1091. The serine at codon 364 is replaced by leucine, an amino acid with dissimilar properties. This amino acid position is not well conserved in available vertebrate species, and leucine is the reference amino acid in other vertebrate species. In addition, this alteration is predicted to be tolerated by in silico analysis. Since supporting evidence is limited at this time, the clinical significance of this alteration remains unclear.

Illumina Laboratory Services, Illumina
Classification: Uncertain significance for Myoclonic epilepsy of Lafora 1. Last evaluated: 2018-01-13. Review status: criteria provided, single submitter. Criteria: ICSL Variant Classification Criteria 13 December 2019. Collection method: clinical testing. Allele origin: germline.